The following is an entry in ClinVar:

NM_000565.4(IL6R):c.1073A>C (p.Asp358Ala)

Gene: IL6R (interleukin 6 receptor; plus strand). Cytogenetic location: 1q21.3.
Variant type: single nucleotide variant.
Coding change: c.1073A>C on transcript NM_000565.4 (MANE Select); coding-DNA position 1073, A replaced by C.
Protein change: p.Asp358Ala; replaces aspartic acid 358 with alanine.
Molecular consequence: missense variant. On other transcripts: intron variant (1).
Genome position (GRCh38, 1-based): chr1:154,454,494, A>C. VCF-style: chr1-154454494-A-C. GRCh37 (hg19) VCF-style: chr1-154426970-A-C.
Other names: IL6R, ASP358ALA (rs8192284); c.1073A>C (NM_000565.3); c.1066+4514A>C (NM_181359.3); short protein forms D358A.
Identifiers: ClinVar variation 14660 (VCV000014660.17), dbSNP rs2228145, ClinGen allele CA124179.

ClinVar aggregate classification (germline): Benign/Likely benign. Review status: criteria provided, multiple submitters, no conflicts (2 of 4 stars). 8 submissions from 7 submitters: Benign (4); Likely benign (1). 3 of the submissions do not count toward it. Last evaluated 2026-02-04.

Conditions:
IL6R-related disorder. Also called: IL6R-related condition.
Interleukin 6, serum level of, quantitative trait locus. Also called: IL6, SERUM LEVEL OF, QUANTITATIVE TRAIT LOCUS. Identifiers: MedGen C3540094, OMIM 614752.
Soluble interleukin-6 receptor, serum level of, quantitative trait locus. Also called: SOLUBLE IL6R, SERUM LEVEL OF, QUANTITATIVE TRAIT LOCUS. Identifiers: MedGen C3553493, OMIM 614689.

Allele frequency attached by ClinVar (database versions not stated): 1000 Genomes Project 0.29313; gnomAD 0.31732 and 0.31965; gnomAD exomes 0.39039 and 0.37917; 1000 Genomes Project 30x 0.29138; TOPMed 0.33482; ExAC 0.37562.

Submissions (8):

Labcorp Genetics (formerly Invitae), Labcorp
Classification: Benign. Last evaluated: 2026-02-04. Review status: criteria provided, single submitter. Criteria: Invitae Variant Classification Sherloc (09022015). Collection method: clinical testing. Allele origin: germline.

Women's Health and Genetics/Laboratory Corporation of America, LabCorp
Classification: Likely benign. Last evaluated: 2026-01-21. Review status: criteria provided, single submitter. Criteria: LabCorp Variant Classification Summary - May 2015. Collection method: clinical testing. Allele origin: germline.

Unidad de Genómica Garrahan, Hospital de Pediatría Garrahan
Classification: Benign. Last evaluated: 2024-01-24. Review status: criteria provided, single submitter. Criteria: ACMG Guidelines, 2015. Collection method: clinical testing. Allele origin: germline. Affected: no. Observed: 72 variant alleles.
Comment: This variant is classified as Benign based on local population frequency. This variant was detected in 82% of patients studied by a panel of primary immunodeficiencies. Number of patients: 72. Only high quality variants are reported.

Mayo Clinic Laboratories, Mayo Clinic
Classification: Benign. Last evaluated: 2023-05-08. Review status: criteria provided, single submitter. Criteria: ACMG Guidelines, 2015. Collection method: clinical testing. Allele origin: germline. Observed: 58 variant alleles.
Comment: BA1, BS2, BP4, BP7

Breakthrough Genomics
Classification: Benign. Review status: criteria provided, single submitter. Criteria: ACMG Guidelines, 2015. Collection method: not provided. Allele origin: germline. Inheritance: Autosomal recessive inheritance. Affected: yes.

PreventionGenetics, part of Exact Sciences
Classification: Benign for IL6R-related condition. Last evaluated: 2019-10-17. Review status: no assertion criteria provided. Collection method: clinical testing. Allele origin: germline. Not counted in ClinVar's aggregate classification.
Comment: This variant is classified as benign based on ACMG/AMP sequence variant interpretation guidelines (Richards et al. 2015 PMID: 25741868, with internal and published modifications).

OMIM
Classification: association for SOLUBLE INTERLEUKIN-6 RECEPTOR, SERUM LEVEL OF, QUANTITATIVE TRAIT LOCUS. Last evaluated: 2007-04-01. Review status: no assertion criteria provided. Collection method: literature only. Allele origin: germline. Not counted in ClinVar's aggregate classification.

OMIM
Classification: association for INTERLEUKIN 6, SERUM LEVEL OF, QUANTITATIVE TRAIT LOCUS. Last evaluated: 2007-04-01. Review status: no assertion criteria provided. Collection method: literature only. Allele origin: germline. Not counted in ClinVar's aggregate classification.

Literature cited by the submitters: PubMed 17357077 (cited by OMIM); PubMed 15306846 (cited by OMIM).